The following is an entry in ClinVar:

NM_175053.4(KRT74):c.1088G>A (p.Arg363Gln)

Gene: KRT74 (keratin 74; minus strand). Cytogenetic location: 12q13.13.
Variant type: single nucleotide variant.
Coding change: c.1088G>A on transcript NM_175053.4 (MANE Select); coding-DNA position 1088, G replaced by A.
Protein change: p.Arg363Gln; replaces arginine 363 with glutamine.
Molecular consequence: missense variant.
Genome position (GRCh38, 1-based): chr12:52,569,905, C>T on the plus strand (G>A on the coding strand, the complement: KRT74 is on the minus strand). VCF-style: chr12-52569905-C-T. GRCh37 (hg19) VCF-style: chr12-52963689-C-T.
Other names: short protein forms R363Q.
Identifiers: ClinVar variation 2696342 (VCV002696342.3), dbSNP rs376472336, ClinGen allele CA6583805.

ClinVar aggregate classification (germline): Uncertain significance (1 of 4 stars; one submission).

Allele frequency attached by ClinVar (database versions not stated): ExAC 0.00002; TOPMed 0.00005; gnomAD 0.00007; ESP Exome Variant Server 0.00008.

Submission:

Labcorp Genetics (formerly Invitae), Labcorp
Classification: Uncertain significance. Last evaluated: 2023-11-13. Review status: criteria provided, single submitter. Criteria: Invitae Variant Classification Sherloc (09022015). Collection method: clinical testing. Allele origin: germline.
Comment: This sequence change replaces arginine, which is basic and polar, with glutamine, which is neutral and polar, at codon 363 of the KRT74 protein (p.Arg363Gln). This variant is present in population databases (rs376472336, gnomAD 0.02%). This variant has not been reported in the literature in individuals affected with KRT74-related conditions. Advanced modeling of protein sequence and biophysical properties (such as structural, functional, and spatial information, amino acid conservation, physicochemical variation, residue mobility, and thermodynamic stability) performed at Invitae indicates that this missense variant is not expected to disrupt KRT74 protein function with a negative predictive value of 80%. In summary, the available evidence is currently insufficient to determine the role of this variant in disease. Therefore, it has been classified as a Variant of Uncertain Significance.